The following is an entry in ClinVar:

ClinVar aggregate classification (germline): Uncertain significance (1 of 4 stars; one submission).

gnomAD v4.1: 6 of 1,209,706 alleles (0.0005%); highest among the groups gnomAD compares: Non-Finnish European, 0.00011%; no homozygotes.

Submission:

Labcorp Genetics (formerly Invitae), Labcorp
Classification: Uncertain significance. Last evaluated: 2025-08-30. Review status: criteria provided, single submitter. Criteria: Invitae Variant Classification Sherloc (09022015). Collection method: clinical testing. Allele origin: germline.
Comment: This sequence change replaces asparagine, which is neutral and polar, with serine, which is neutral and polar, at codon 93 of the SH3KBP1 protein (p.Asn93Ser). This variant is present in population databases (no rsID available, gnomAD 0.02%). This variant has not been reported in the literature in individuals affected with SH3KBP1-related conditions. Invitae Evidence Modeling of protein sequence and biophysical properties (such as structural, functional, and spatial information, amino acid conservation, physicochemical variation, residue mobility, and thermodynamic stability) indicates that this missense variant is not expected to disrupt SH3KBP1 protein function with a negative predictive value of 80%. In summary, the available evidence is currently insufficient to determine the role of this variant in disease. Therefore, it has been classified as a Variant of Uncertain Significance.

NM_031892.3(SH3KBP1):c.278A>G (p.Asn93Ser)

Gene: SH3KBP1 (SH3 domain containing kinase binding protein 1; minus strand). Cytogenetic location: Xp22.12.
Variant type: single nucleotide variant.
Coding change: c.278A>G on transcript NM_031892.3 (MANE Select); coding-DNA position 278, A replaced by G.
Protein change: p.Asn93Ser; replaces asparagine 93 with serine.
Molecular consequence: missense variant.
Genome position (GRCh38, 1-based): chrX:19,746,326, T>C on the plus strand (A>G on the coding strand, the complement: SH3KBP1 is on the minus strand). VCF-style: chrX-19746326-T-C. GRCh37 (hg19) VCF-style: chrX-19764444-T-C.
Other names: c.167A>G, p.Asn56Ser (NM_001024666.3); c.278A>G, p.Asn93Ser (NM_001353890.2, NM_001353891.2, NM_001353892.2 and 2 more transcripts); c.101A>G, p.Asn34Ser (NM_001353893.2, NM_001353894.2, NM_001353895.2 and 1 more transcripts); short protein forms N56S, N93S, N34S.
Identifiers: ClinVar variation 4774274 (VCV004774274.1).